The following is an entry in ClinVar:

ClinVar aggregate classification (germline): Uncertain significance. Review status: criteria provided, multiple submitters, no conflicts (2 of 4 stars). 3 submissions from 3 submitters: Uncertain significance (3). Last evaluated 2024-05-30.

Conditions:
Familial thoracic aortic aneurysm and aortic dissection (TAAD). Also called: Thoracic aortic aneurysms and dissections. Identifiers: Orphanet 91387, MedGen C4707243, MONDO:0019625.
Aortic aneurysm, familial thoracic 7 (AAT7). Also called: AORTIC DISSECTION, FAMILIAL, WITH OR WITHOUT AORTIC ANEURYSM. Identifiers: MedGen C3151077, MONDO:0013418, OMIM 613780.

Allele frequency attached by ClinVar (database versions not stated): gnomAD 0.00001; gnomAD exomes 0.00001; TOPMed 0.00001.
gnomAD v4.1: 4 of 1,613,784 alleles (0.00025%); highest among the groups gnomAD compares: Non-Finnish European, 0.00034%; no homozygotes.

Submissions (3):

Blueprint Genetics
Classification: Uncertain significance. Last evaluated: 2024-05-30. Review status: criteria provided, single submitter. Criteria: ACMG Guidelines, 2015. Collection method: clinical testing. Allele origin: germline.

Labcorp Genetics (formerly Invitae), Labcorp
Classification: Uncertain significance for Aortic aneurysm, familial thoracic 7. Last evaluated: 2024-03-16. Review status: criteria provided, single submitter. Criteria: Invitae Variant Classification Sherloc (09022015). Collection method: clinical testing. Allele origin: germline.
Comment: This sequence change replaces asparagine, which is neutral and polar, with serine, which is neutral and polar, at codon 1028 of the MYLK protein (p.Asn1028Ser). This variant is not present in population databases (gnomAD no frequency). This missense change has been observed in individuals with thoracic aortic aneurysm and/or dissection (Invitae). ClinVar contains an entry for this variant (Variation ID: 1727385). Advanced modeling of protein sequence and biophysical properties (such as structural, functional, and spatial information, amino acid conservation, physicochemical variation, residue mobility, and thermodynamic stability) performed at Invitae indicates that this missense variant is not expected to disrupt MYLK protein function with a negative predictive value of 95%. In summary, the available evidence is currently insufficient to determine the role of this variant in disease. Therefore, it has been classified as a Variant of Uncertain Significance.

Ambry Genetics
Classification: Uncertain significance for Familial thoracic aortic aneurysm and aortic dissection. Last evaluated: 2020-05-20. Review status: criteria provided, single submitter. Criteria: Ambry Variant Classification Scheme 2023. Collection method: clinical testing. Allele origin: germline.
Comment: The p.N1028S variant (also known as c.3083A>G), located in coding exon 15 of the MYLK gene, results from an A to G substitution at nucleotide position 3083. The asparagine at codon 1028 is replaced by serine, an amino acid with highly similar properties. This amino acid position is well conserved in available vertebrate species; however, serine is the reference amino acid in other vertebrate species. In addition, this alteration is predicted to be tolerated by in silico analysis. Since supporting evidence is limited at this time, the clinical significance of this alteration remains unclear.

NM_053025.4(MYLK):c.3083A>G (p.Asn1028Ser)

Gene: MYLK (myosin light chain kinase; minus strand). Cytogenetic location: 3q21.1.
Variant type: single nucleotide variant.
Coding change: c.3083A>G on transcript NM_053025.4 (MANE Select); coding-DNA position 3083, A replaced by G.
Protein change: p.Asn1028Ser; replaces asparagine 1028 with serine.
Molecular consequence: missense variant.
Genome position (GRCh38, 1-based): chr3:123,700,385, T>C on the plus strand (A>G on the coding strand, the complement: MYLK is on the minus strand). VCF-style: chr3-123700385-T-C. GRCh37 (hg19) VCF-style: chr3-123419232-T-C.
Other names: c.2555A>G, p.Asn852Ser (NM_001321309.2); c.2876A>G, p.Asn959Ser (NM_053026.4, NM_053028.4); c.3083A>G, p.Asn1028Ser (NM_053027.4); short protein forms N959S, N852S, N1028S.
Identifiers: ClinVar variation 1727385 (VCV001727385.6), dbSNP rs1292187743, ClinGen allele CA354230098.